The following is an entry in ClinVar:

ClinVar aggregate classification (germline): Uncertain significance. Review status: criteria provided, multiple submitters, no conflicts (2 of 4 stars). 2 submissions from 2 submitters: Uncertain significance (2). Last evaluated 2024-08-28.

Conditions:
Cardiovascular phenotype. Identifiers: MedGen CN230736.
Cholestanol storage disease (CTX). Also called: Cerebrotendinous Xanthomatosis; CEREBRAL CHOLESTERINOSIS; CTX: Cerebrotendinous xanthomatosis. Identifiers: Orphanet 909, MedGen C0238052, MONDO:0008948, OMIM 213700.

Allele frequency attached by ClinVar (database versions not stated): gnomAD exomes below 0.00001 and 0.00001; ExAC 0.00002; TOPMed 0.00002.
gnomAD v4.1: 2 of 1,614,050 alleles (0.00012%); highest among the groups gnomAD compares: African/African-American, 0.0027%; no homozygotes.

Submissions (2):

Ambry Genetics
Classification: Uncertain significance for Cardiovascular phenotype. Last evaluated: 2024-08-28. Review status: criteria provided, single submitter. Criteria: Ambry Variant Classification Scheme 2023. Collection method: clinical testing. Allele origin: germline.
Comment: The p.E507V variant (also known as c.1520A>T), located in coding exon 9 of the CYP27A1 gene, results from an A to T substitution at nucleotide position 1520. The glutamic acid at codon 507 is replaced by valine, an amino acid with dissimilar properties. This amino acid position is conserved. In addition, the in silico prediction for this alteration is inconclusive. Based on the available evidence, the clinical significance of this variant remains unclear.

Labcorp Genetics (formerly Invitae), Labcorp
Classification: Uncertain significance for Cholestanol storage disease. Last evaluated: 2023-07-07. Review status: criteria provided, single submitter. Criteria: Invitae Variant Classification Sherloc (09022015). Collection method: clinical testing. Allele origin: germline.
Comment: This variant is present in population databases (rs767162764, gnomAD 0.02%). This sequence change replaces glutamic acid, which is acidic and polar, with valine, which is neutral and non-polar, at codon 507 of the CYP27A1 protein (p.Glu507Val). This variant has not been reported in the literature in individuals affected with CYP27A1-related conditions. ClinVar contains an entry for this variant (Variation ID: 1472231). Advanced modeling of protein sequence and biophysical properties (such as structural, functional, and spatial information, amino acid conservation, physicochemical variation, residue mobility, and thermodynamic stability) performed at Invitae indicates that this missense variant is not expected to disrupt CYP27A1 protein function. In summary, the available evidence is currently insufficient to determine the role of this variant in disease. Therefore, it has been classified as a Variant of Uncertain Significance.

NM_000784.4(CYP27A1):c.1520A>T (p.Glu507Val)

Gene: CYP27A1 (cytochrome P450 family 27 subfamily A member 1; plus strand). Cytogenetic location: 2q35.
Variant type: single nucleotide variant.
Coding change: c.1520A>T on transcript NM_000784.4 (MANE Select); coding-DNA position 1520, A replaced by T.
Protein change: p.Glu507Val; replaces glutamic acid 507 with valine.
Molecular consequence: missense variant.
Genome position (GRCh38, 1-based): chr2:218,814,954, A>T. VCF-style: chr2-218814954-A-T. GRCh37 (hg19) VCF-style: chr2-219679677-A-T.
Other names: c.1520A>T (NM_000784.3); short protein forms E507V.
Identifiers: ClinVar variation 1472231 (VCV001472231.7), dbSNP rs767162764, ClinGen allele CA2112937.